The following is an entry in ClinVar:

ClinVar aggregate classification (germline): Likely benign. Review status: criteria provided, single submitter (1 of 4 stars). 2 submissions from 2 submitters: Likely benign (1). 1 of the submissions does not count toward it. Last evaluated 2025-12-03.

Conditions:
WDR1-related disorder. Also called: WDR1-related condition.

gnomAD v4.1: 24 of 1,566,834 alleles (0.0015%); highest among the groups gnomAD compares: Non-Finnish European, 0.0019%; no homozygotes.

Submissions (2):

Labcorp Genetics (formerly Invitae), Labcorp
Classification: Likely benign. Last evaluated: 2025-12-03. Review status: criteria provided, single submitter. Criteria: Invitae Variant Classification Sherloc (09022015). Collection method: clinical testing. Allele origin: germline.

PreventionGenetics, part of Exact Sciences
Classification: Likely benign for WDR1-related condition. Last evaluated: 2023-12-14. Review status: no assertion criteria provided. Collection method: clinical testing. Allele origin: germline. Not counted in ClinVar's aggregate classification.
Comment: This variant is classified as likely benign based on ACMG/AMP sequence variant interpretation guidelines (Richards et al. 2015 PMID: 25741868, with internal and published modifications).

NM_017491.5(WDR1):c.1569+10G>T

Gene: WDR1 (WD repeat domain 1; minus strand). Cytogenetic location: 4p16.1.
Variant type: single nucleotide variant.
Coding change: c.1569+10G>T on transcript NM_017491.5 (MANE Select); 10 bases into the intron after coding-DNA position 1569, G replaced by T.
Molecular consequence: intron variant.
Genome position (GRCh38, 1-based): chr4:10,077,743, C>A on the plus strand (G>T on the coding strand, the complement: WDR1 is on the minus strand). VCF-style: chr4-10077743-C-A. GRCh37 (hg19) VCF-style: chr4-10079367-C-A.
Other names: c.1149+10G>T (NM_005112.5).
Identifiers: ClinVar variation 3055766 (VCV003055766.3), dbSNP rs775739646, ClinGen allele CA2857526.